The following is an entry in ClinVar:

NM_001848.3(COL6A1):c.1056+2dup

Gene: COL6A1 (collagen type VI alpha 1 chain; plus strand). Cytogenetic location: 21q22.3.
Variant type: Duplication.
Coding change: c.1056+2dup on transcript NM_001848.3 (MANE Select); the canonical splice donor site of the intron after coding-DNA position 1056, one base duplicated (T; older notation c.1056+2dupT).
Molecular consequence: splice donor variant.
Genome position (GRCh38, 1-based): chr21:45,990,828, T duplicated. VCF-style (leftmost placement, unchanged base first): chr21-45990827-G-GT. GRCh37 (hg19) VCF-style: chr21-47410741-G-GT.
Identifiers: ClinVar variation 2138404 (VCV002138404.5), dbSNP rs2526325667, ClinGen allele CA2580098967.

ClinVar aggregate classification (germline): Pathogenic. Review status: criteria provided, multiple submitters, no conflicts (2 of 4 stars). 2 submissions from 2 submitters: Pathogenic (2). Last evaluated 2025-07-30.

Conditions:
Bethlem myopathy 1A. Also called: Bethlem Muscular Dystrophy; Bethlem myopathy 1; MYOPATHY, BENIGN CONGENITAL, WITH CONTRACTURES. Identifiers: Orphanet 610, MedGen CN029274, MONDO:0024530, OMIM 158810.

Submissions (2):

3billion
Classification: Pathogenic for Bethlem myopathy 1A. Last evaluated: 2025-07-30. Review status: criteria provided, single submitter. Criteria: ACMG Guidelines, 2015. Collection method: clinical testing. Allele origin: germline. Affected: yes.
Comment: The variant is not observed in the gnomAD v4.1.0 dataset. Predicted Consequence/Location: Canonical splice site: predicted to alter splicing and result in a loss or disruption of normal protein function. In silico tools predict the variant to alter splicing and produce an abnormal transcript [SpliceAI: 0.89 (spliceogenicity >=0.2, non-spliceogenicity <0.1)]. The variant has been reported to be associated with COL6A1-related disorder (ClinVar ID: VCV002138404 /PMID: 27363342). Therefore, this variant is classified as Pathogenic according to the recommendation of ACMG/AMP guideline.

Labcorp Genetics (formerly Invitae), Labcorp
Classification: Pathogenic for Bethlem myopathy 1A. Last evaluated: 2022-09-13. Review status: criteria provided, single submitter. Criteria: Invitae Variant Classification Sherloc (09022015). Collection method: clinical testing. Allele origin: germline.
Comment: This sequence change falls in intron 14 of the COL6A1 gene. It does not directly change the encoded amino acid sequence of the COL6A1 protein. It affects a nucleotide within the consensus splice site. This variant is not present in population databases (gnomAD no frequency). This variant has been observed in individual(s) with autosomal dominant COL6A1-related conditions (PMID: 27363342, 32154989; Invitae). In at least one individual the variant was observed to be de novo. This variant is also known as c.1056+1->T. Variants that disrupt the consensus splice site are a relatively common cause of aberrant splicing (PMID: 17576681, 9536098). Algorithms developed to predict the effect of sequence changes on RNA splicing suggest that this variant may disrupt the consensus splice site. For these reasons, this variant has been classified as Pathogenic.

Literature cited by the submitters: PubMed 27363342 (cited by 3billion and Labcorp Genetics (formerly Invitae), Labcorp); PubMed 32154989 (cited by Labcorp Genetics (formerly Invitae), Labcorp); PubMed 17576681 (cited by Labcorp Genetics (formerly Invitae), Labcorp); PubMed 9536098 (cited by Labcorp Genetics (formerly Invitae), Labcorp).